The following is an entry in ClinVar:

ClinVar aggregate classification (germline): Pathogenic (1 of 4 stars; one submission).

Conditions:
Charcot-Marie-Tooth Neuropathy X. Identifiers: MedGen CN118851.

Submission:

Labcorp Genetics (formerly Invitae), Labcorp
Classification: Pathogenic for Charcot-Marie-Tooth Neuropathy X. Last evaluated: 2021-04-27. Review status: criteria provided, single submitter. Criteria: Invitae Variant Classification Sherloc (09022015). Collection method: clinical testing. Allele origin: germline.
Comment: For these reasons, this variant has been classified as Pathogenic. This variant disrupts the C-terminus of the GJB1 protein. Other variant(s) that disrupt this region (p.Arg220*) have been determined to be pathogenic (PMID: 7477983, 8162049, 9364054, 21291455). This suggests that variants that disrupt this region of the protein are likely to be causative of disease. This variant has not been reported in the literature in individuals with GJB1-related conditions. This variant is not present in population databases (ExAC no frequency). This sequence change creates a premature translational stop signal (p.Val84Phefs*18) in the GJB1 gene. While this is not anticipated to result in nonsense mediated decay, it is expected to disrupt the last 200 amino acid(s) of the GJB1 protein.

Literature cited by the submitters: PubMed 7477983; PubMed 8162049; PubMed 9364054; PubMed 21291455.

NM_000166.6(GJB1):c.250del (p.Val84fs)

Gene: GJB1 (gap junction protein beta 1; plus strand). Cytogenetic location: Xq13.1.
Variant type: Deletion.
Coding change: c.250del on transcript NM_000166.6 (MANE Select); coding-DNA position 250, one base deleted (G; older notation c.250delG).
Protein change: p.Val84fs; shifts the reading frame from valine 84.
Molecular consequence: frameshift variant.
Genome position (GRCh38, 1-based): chrX:71,223,957, G deleted. VCF-style (leftmost placement, unchanged base first): chrX-71223956-AG-A. GRCh37 (hg19) VCF-style: chrX-70443806-AG-A.
Other names: c.250del, p.Val84fs (NM_001097642.3); short protein forms V84fs.
Identifiers: ClinVar variation 1374888 (VCV001374888.8), dbSNP rs2147945660, ClinGen allele CA2573159495.
Genomic context (GRCh38, chrX:71,223,956, plus strand): 5'-TTGCTATGACCAATTCTTCCCCATCTCCCATGTGCGGCTGTGGTCCCTGCAGCTCATCCT[AG>A]TTTCCACCCCAGCTCTCCTCGTGGCCATGCACGTGGCTCACCAGCAACACATAGAGAAGA-3'